The following is an entry in ClinVar:

ClinVar aggregate classification (germline): Likely benign. Review status: criteria provided, multiple submitters, no conflicts (2 of 4 stars). 2 submissions from 2 submitters: Likely benign (2). Last evaluated 2026-09-01.

Conditions:
Exostoses, multiple, type 2 (EXT2). Also called: Hereditary Multiple Osteochondromatosis, Type II; EXOSTOSES, MULTIPLE, TYPE II. Identifiers: Orphanet 321, MedGen C1851413, MONDO:0007586, OMIM 133701.

Allele frequency attached by ClinVar (database versions not stated): gnomAD exomes 0.00001 and 0.00004; ExAC 0.00002; gnomAD 0.00003 and 0.00004; TOPMed 0.00004.
gnomAD v4.1: 61 of 1,613,942 alleles (0.0038%); highest among the groups gnomAD compares: Admixed American, 0.005%; no homozygotes.

Submissions (2):

CeGaT Center for Human Genetics Tuebingen
Classification: Likely benign. Last evaluated: 2026-09-01. Review status: criteria provided, single submitter. Criteria: CeGaT Center For Human Genetics Tuebingen Variant Classification Criteria Version 2. Collection method: clinical testing. Allele origin: germline. Affected: yes. Observed: 1 variant allele.
Comment: EXT2: BP4, BP7

Labcorp Genetics (formerly Invitae), Labcorp
Classification: Likely benign for Exostoses, multiple, type 2. Last evaluated: 2025-03-17. Review status: criteria provided, single submitter. Criteria: Invitae Variant Classification Sherloc (09022015). Collection method: clinical testing. Allele origin: germline.

NM_207122.2(EXT2):c.2052C>T (p.Phe684=)

Gene: EXT2 (exostosin glycosyltransferase 2; plus strand). Cytogenetic location: 11p11.2.
Variant type: single nucleotide variant.
Coding change: c.2052C>T on transcript NM_207122.2 (MANE Select); coding-DNA position 2052, C replaced by T.
Protein change: p.Phe684=; no amino-acid change (phenylalanine 684 retained).
Molecular consequence: synonymous variant.
Genome position (GRCh38, 1-based): chr11:44,244,182, C>T. VCF-style: chr11-44244182-C-T. GRCh37 (hg19) VCF-style: chr11-44265732-C-T.
Other names: c.2151C>T, p.Phe717= (NM_000401.3); c.2082C>T, p.Phe694= (NM_001178083.3); c.2052C>T, p.Phe684= (NM_001389628.1, NM_001389630.1).
Identifiers: ClinVar variation 717478 (VCV000717478.11), dbSNP rs746317053, ClinGen allele CA5955444.